The following is an entry in ClinVar:

ClinVar aggregate classification (germline): Pathogenic (1 of 4 stars; one submission).

Conditions:
Mucopolysaccharidosis, MPS-IV-A (MPS4A). Also called: Mucopolysaccharidosis type IV A; Mucopolysaccharidosis Type IVA; Morquio syndrome A, mild; MORQUIO SYNDROME A; MPS IVA; mucopolysaccharidosis type 4A. Identifiers: Orphanet 309297, Orphanet 582, MedGen C0086651, MONDO:0009659, OMIM 253000.

Submission:

Laboratory of Diagnosis and Therapy of Lysosomal Disorders, University of Padova
Classification: Pathogenic for Mucopolysaccharidosis, MPS-IV-A. Last evaluated: 2021-02-01. Review status: criteria provided, single submitter. Criteria: ACMG Guidelines, 2015. Collection method: curation. Allele origin: germline. Affected: yes.
Comment: Single exon deletion (PVS1_very strong); located in a mutational hot spot and/or critical and well-established functional domain without benign variation (PM1_moderate); absent from gnomAD v2.1.1 (PM2_moderate)

Literature cited by the submitters: PubMed 16287098; PubMed 34387910.

NM_000512.5:c.(120+1_121-1)_(244+1_245-1)del

Gene: GALNS (galactosamine (N-acetyl)-6-sulfatase; minus strand).
Variant type: Deletion.
Other names: c.(120+1_121-1)_(244+1_245-1)del (NM_000512.5).
Identifiers: ClinVar variation 1048371 (VCV001048371.3).